The following is an entry in ClinVar:

NM_000051.4(ATM):c.6456A>C (p.Val2152=)

Genes: ATM (ATM serine/threonine kinase; plus strand), C11orf65 (chromosome 11 open reading frame 65; minus strand). Cytogenetic location: 11q22.3.
Variant type: single nucleotide variant.
Coding change: c.6456A>C on transcript NM_000051.4 (MANE Select); coding-DNA position 6456, A replaced by C.
Protein change: p.Val2152=; no amino-acid change (valine 2152 retained).
Molecular consequence: synonymous variant. On other transcripts: intron variant (2).
Genome position (GRCh38, 1-based): chr11:108,321,304, A>C. VCF-style: chr11-108321304-A-C. GRCh37 (hg19) VCF-style: chr11-108192031-A-C.
Other names: c.6456A>C, p.Val2152= (NM_001351834.2); c.641-12233T>G (NM_001330368.2); c.*39-12233T>G (NM_001351110.2).
Identifiers: ClinVar variation 3254231 (VCV003254231.1), dbSNP rs876660014.

ClinVar aggregate classification (germline): Benign (1 of 4 stars; one submission).

Conditions:
Familial cancer of breast. Also called: hereditary breast carcinoma; BREAST CANCER, FAMILIAL; Hereditary breast cancer. Identifiers: Orphanet 227535, MedGen C0346153, MONDO:0016419, OMIM 114480. Disease mechanism: loss of function.

Submission:

Myriad Genetics, Inc.
Classification: Benign for Familial cancer of breast. Last evaluated: 2024-06-06. Review status: criteria provided, single submitter. Criteria: Myriad Autosomal Dominant, Autosomal Recessive and X-Linked Classification Criteria (2023). Collection method: clinical testing. Allele origin: unknown.
Comment: This variant is considered benign. This variant is a silent/synonymous amino acid change and it is not expected to impact splicing.